The following is an entry in ClinVar:

ClinVar aggregate classification (germline): Uncertain significance. Review status: criteria provided, multiple submitters, no conflicts (2 of 4 stars). 3 submissions from 3 submitters: Uncertain significance (3). Last evaluated 2026-03-10.

Conditions:
Inborn genetic diseases. Identifiers: MedGen C0950123, MeSH D030342.

Allele frequency attached by ClinVar (database versions not stated): ExAC 0.00003; gnomAD exomes 0.00003; ESP Exome Variant Server 0.00008; TOPMed 0.00009; gnomAD 0.00014.
gnomAD v4.1: 67 of 1,613,816 alleles (0.0042%); highest among the groups gnomAD compares: African/African-American, 0.052%; no homozygotes.

Submissions (3):

Women's Health and Genetics/Laboratory Corporation of America, LabCorp
Classification: Uncertain significance. Last evaluated: 2026-03-10. Review status: criteria provided, single submitter. Criteria: LabCorp Variant Classification Summary - May 2015. Collection method: clinical testing. Allele origin: germline.
Comment: Variant summary: FAT4 c.12673C>T (p.Arg4225Trp) results in a non-conservative amino acid change in the encoded protein sequence. Algorithms developed to predict the effect of missense changes on protein structure and function are either unavailable or do not agree on the potential impact of this missense change. The variant allele was found at a frequency of 3.6e-05 in 251366 control chromosomes. The available data on variant occurrences in the general population are insufficient to allow any conclusion about variant significance. To our knowledge, no occurrence of c.12673C>T in individuals affected with FAT4-related conditions and no experimental evidence demonstrating its impact on protein function have been reported. ClinVar contains an entry for this variant (Variation ID: 2169021). Based on the evidence outlined above, the variant was classified as uncertain significance.

Labcorp Genetics (formerly Invitae), Labcorp
Classification: Uncertain significance. Last evaluated: 2022-01-06. Review status: criteria provided, single submitter. Criteria: Invitae Variant Classification Sherloc (09022015). Collection method: clinical testing. Allele origin: germline.
Comment: This sequence change replaces arginine, which is basic and polar, with tryptophan, which is neutral and slightly polar, at codon 4225 of the FAT4 protein (p.Arg4225Trp). This variant is present in population databases (rs150155800, gnomAD 0.03%). This variant has not been reported in the literature in individuals affected with FAT4-related conditions. Advanced modeling of protein sequence and biophysical properties (such as structural, functional, and spatial information, amino acid conservation, physicochemical variation, residue mobility, and thermodynamic stability) performed at Invitae indicates that this missense variant is not expected to disrupt FAT4 protein function. In summary, the available evidence is currently insufficient to determine the role of this variant in disease. Therefore, it has been classified as a Variant of Uncertain Significance.

Ambry Genetics
Classification: Uncertain significance for Inborn genetic diseases. Last evaluated: 2021-10-27. Review status: criteria provided, single submitter. Criteria: Ambry Variant Classification Scheme 2023. Collection method: clinical testing. Allele origin: germline.

NM_001291303.3(FAT4):c.12679C>T (p.Arg4227Trp)

Gene: FAT4 (FAT atypical cadherin 4; plus strand). Cytogenetic location: 4q28.1.
Variant type: single nucleotide variant.
Coding change: c.12679C>T on transcript NM_001291303.3 (MANE Select); coding-DNA position 12679, C replaced by T.
Protein change: p.Arg4227Trp; replaces arginine 4227 with tryptophan.
Molecular consequence: missense variant.
Genome position (GRCh38, 1-based): chr4:125,481,595, C>T. VCF-style: chr4-125481595-C-T. GRCh37 (hg19) VCF-style: chr4-126402750-C-T.
Other names: c.12673C>T (NM_024582.4); c.12679C>T, p.Arg4227Trp (NM_001291285.3); c.12673C>T, p.Arg4225Trp (NM_024582.6); short protein forms R4225W, R4227W.
Identifiers: ClinVar variation 2169021 (VCV002169021.3), dbSNP rs150155800, ClinGen allele CA3074167.